The following is an entry in ClinVar:

NM_001177701.3(IFT27):c.487C>T (p.Pro163Ser)

Genes: CACNG2-DT (CACNG2 divergent transcript; plus strand), IFT27 (intraflagellar transport 27; minus strand). Cytogenetic location: 22q12.3.
Variant type: single nucleotide variant.
Coding change: c.487C>T on transcript NM_001177701.3 (MANE Select); coding-DNA position 487, C replaced by T.
Protein change: p.Pro163Ser; replaces proline 163 with serine.
Molecular consequence: missense variant.
Genome position (GRCh38, 1-based): chr22:36,758,385, G>A on the plus strand (C>T on the coding strand, the complement: IFT27 is on the minus strand). VCF-style: chr22-36758385-G-A. GRCh37 (hg19) VCF-style: chr22-37154429-G-A.
Other names: c.487C>T (NM_001177701.1); c.487C>T, p.Pro163Ser (NM_001363003.2); c.484C>T, p.Pro162Ser (NM_006860.5); short protein forms P162S, P163S.
Identifiers: ClinVar variation 939760 (VCV000939760.7), dbSNP rs1937988974, ClinGen allele CA411378934.
Genomic context (GRCh38, chr22:36,758,385, plus strand): 5'-GGAAAACCTCCACCTTCTCCCGGTACAGCTGGTGGAACTGCTTGGCAAGGCAGTGGAAAG[G>A]GGCTTCGAAGTTTTCCATCTCTTTCTGGAAAGACAGTTTAAAAAGTTGGCTGTGTTCTTT-3'
Protein context (NP_001171172.1, residues 153-173): SVKEMENFEA[Pro163Ser]FHCLAKQFHQ

ClinVar aggregate classification (germline): Uncertain significance. Review status: criteria provided, multiple submitters, no conflicts (2 of 4 stars). 2 submissions from 2 submitters: Uncertain significance (2). Last evaluated 2025-09-10.

Conditions:
Inborn genetic diseases. Identifiers: MedGen C0950123, MeSH D030342.

Allele frequency attached by ClinVar (database versions not stated): TOPMed below 0.00001; gnomAD exomes 0.00001.

Submissions (2):

Ambry Genetics
Classification: Uncertain significance for Inborn genetic diseases. Last evaluated: 2025-09-10. Review status: criteria provided, single submitter. Criteria: Ambry Variant Classification Scheme 2023. Collection method: clinical testing. Allele origin: germline.

Labcorp Genetics (formerly Invitae), Labcorp
Classification: Uncertain significance. Last evaluated: 2024-11-05. Review status: criteria provided, single submitter. Criteria: Invitae Variant Classification Sherloc (09022015). Collection method: clinical testing. Allele origin: germline.
Comment: This sequence change replaces proline, which is neutral and non-polar, with serine, which is neutral and polar, at codon 162 of the IFT27 protein (p.Pro162Ser). This variant is not present in population databases (gnomAD no frequency). This variant has not been reported in the literature in individuals affected with IFT27-related conditions. ClinVar contains an entry for this variant (Variation ID: 939760). Invitae Evidence Modeling of protein sequence and biophysical properties (such as structural, functional, and spatial information, amino acid conservation, physicochemical variation, residue mobility, and thermodynamic stability) indicates that this missense variant is not expected to disrupt IFT27 protein function with a negative predictive value of 95%. In summary, the available evidence is currently insufficient to determine the role of this variant in disease. Therefore, it has been classified as a Variant of Uncertain Significance.